The following is an entry in ClinVar:

NM_004183.4(BEST1):c.764G>T (p.Arg255Leu)

Gene: BEST1 (bestrophin 1; plus strand). Cytogenetic location: 11q12.3.
Variant type: single nucleotide variant.
Coding change: c.764G>T on transcript NM_004183.4 (MANE Select); coding-DNA position 764, G replaced by T.
Protein change: p.Arg255Leu; replaces arginine 255 with leucine.
Molecular consequence: missense variant. On other transcripts: non-coding transcript variant (1).
Genome position (GRCh38, 1-based): chr11:61,958,195, G>T. VCF-style: chr11-61958195-G-T. GRCh37 (hg19) VCF-style: chr11-61725667-G-T.
Other names: c.584G>T, p.Arg195Leu (NM_001139443.3, NM_001300786.2, NM_001300787.2); c.446G>T, p.Arg149Leu (NM_001363591.3); c.764G>T, p.Arg255Leu (NM_001363592.2); c.-412G>T (NM_001363593.3); short protein forms R195L, R255L, R149L.
Identifiers: ClinVar variation 1484448 (VCV001484448.6), dbSNP rs377370089, ClinGen allele CA380839664.

ClinVar aggregate classification (germline): Likely pathogenic (1 of 4 stars; one submission).

Submission:

Labcorp Genetics (formerly Invitae), Labcorp
Classification: Likely pathogenic. Last evaluated: 2023-10-03. Review status: criteria provided, single submitter. Criteria: Invitae Variant Classification Sherloc (09022015). Collection method: clinical testing. Allele origin: germline.
Comment: This sequence change replaces arginine, which is basic and polar, with leucine, which is neutral and non-polar, at codon 255 of the BEST1 protein (p.Arg255Leu). This variant is not present in population databases (gnomAD no frequency). This variant has not been reported in the literature in individuals affected with BEST1-related conditions. ClinVar contains an entry for this variant (Variation ID: 1484448). Advanced modeling of protein sequence and biophysical properties (such as structural, functional, and spatial information, amino acid conservation, physicochemical variation, residue mobility, and thermodynamic stability) performed at Invitae indicates that this missense variant is expected to disrupt BEST1 protein function. This variant disrupts the p.Arg255 amino acid residue in BEST1. Other variant(s) that disrupt this residue have been determined to be pathogenic (PMID: 25489231, 27071392, 28687848, 30593719). This suggests that this residue is clinically significant, and that variants that disrupt this residue are likely to be disease-causing. In summary, the currently available evidence indicates that the variant is pathogenic, but additional data are needed to prove that conclusively. Therefore, this variant has been classified as Likely Pathogenic.

Literature cited by the submitters: PubMed 25489231; PubMed 27071392; PubMed 28687848; PubMed 30593719.